The following is an entry in ClinVar:

ClinVar aggregate classification (germline): Uncertain significance (1 of 4 stars; one submission).

Submission:

CeGaT Center for Human Genetics Tuebingen
Classification: Uncertain significance. Last evaluated: 2024-02-01. Review status: criteria provided, single submitter. Criteria: CeGaT Center For Human Genetics Tuebingen Variant Classification Criteria Version 2. Collection method: clinical testing. Allele origin: germline. Affected: yes. Observed: 1 variant allele.
Comment: EYS: PM2, BP1, BP4

NM_001142800.2(EYS):c.5824G>A (p.Gly1942Ser)

Gene: EYS (EGF-like photoreceptor maintenance factor; minus strand). Cytogenetic location: 6q12.
Variant type: single nucleotide variant.
Coding change: c.5824G>A on transcript NM_001142800.2 (MANE Select); coding-DNA position 5824, G replaced by A.
Protein change: p.Gly1942Ser; replaces glycine 1942 with serine.
Molecular consequence: missense variant.
Genome position (GRCh38, 1-based): chr6:64,439,173, C>T on the plus strand (G>A on the coding strand, the complement: EYS is on the minus strand). VCF-style: chr6-64439173-C-T. GRCh37 (hg19) VCF-style: chr6-65149066-C-T.
Other names: c.5824G>A, p.Gly1942Ser (NM_001292009.2); short protein forms G1942S.
Identifiers: ClinVar variation 3067600 (VCV003067600.21), dbSNP rs2533225774, ClinGen allele CA364392521.